The following is an entry in ClinVar:

ClinVar aggregate classification (germline): Pathogenic (1 of 4 stars; one submission).

Conditions:
Microcephaly, normal intelligence and immunodeficiency (NBS). Also called: Nijmegen breakage syndrome; Microcephaly with normal intelligence immunodeficiency and lymphoreticular malignancies; Nonsyndromal microcephaly autosomal recessive with normal intelligence; Seemanova syndrome 2; SEEMANOVA SYNDROME II; Ataxia telangiectasia variant V1. Identifiers: Orphanet 647, MedGen C0398791, MONDO:0009623, OMIM 251260.

Submission:

Labcorp Genetics (formerly Invitae), Labcorp
Classification: Pathogenic for Microcephaly, normal intelligence and immunodeficiency. Last evaluated: 2024-01-07. Review status: criteria provided, single submitter. Criteria: Invitae Variant Classification Sherloc (09022015). Collection method: clinical testing. Allele origin: germline.
Comment: This sequence change creates a premature translational stop signal (p.Glu194Lysfs*37) in the NBN gene. It is expected to result in an absent or disrupted protein product. Loss-of-function variants in NBN are known to be pathogenic (PMID: 9590180, 16415040). This variant is not present in population databases (gnomAD no frequency). This variant has not been reported in the literature in individuals affected with NBN-related conditions. For these reasons, this variant has been classified as Pathogenic.

Literature cited by the submitters: PubMed 9590180; PubMed 16415040.

NM_002485.5(NBN):c.580del (p.Glu194fs)

Gene: NBN (nibrin; minus strand). Cytogenetic location: 8q21.3.
Variant type: Deletion.
Coding change: c.580del on transcript NM_002485.5 (MANE Select); coding-DNA position 580, one base deleted (G; older notation c.580delG).
Protein change: p.Glu194fs; shifts the reading frame from glutamic acid 194.
Molecular consequence: frameshift variant.
Genome position (GRCh38, 1-based): chr8:89,978,224, C deleted on the plus strand (G on the coding strand, the reverse complement: NBN is on the minus strand). VCF-style (leftmost placement, unchanged base first): chr8-89978223-TC-T. GRCh37 (hg19) VCF-style: chr8-90990451-TC-T.
Other names: c.334del, p.Glu112fs (NM_001024688.3); short protein forms E194fs, E112fs.
Identifiers: ClinVar variation 2795913 (VCV002795913.3), dbSNP rs2488343356, ClinGen allele CA2739265795.